The following is an entry in ClinVar:

ClinVar aggregate classification (germline): Benign/Likely benign. Review status: criteria provided, multiple submitters, no conflicts (2 of 4 stars). 10 submissions from 10 submitters: Benign (8); Likely benign (1). 1 of the submissions does not count toward it. Last evaluated 2026-02-04.

Conditions:
Hyperlipoproteinemia, type I. Also called: LPL DEFICIENCY; Familial Lipoprotein Lipase Deficiency; HYPERLIPOPROTEINEMIA, TYPE IA; Familial hyperlipo-proteinemia type 1; Hyperlipemia essential familial; Lipase D deficiency. Identifiers: Orphanet 309015, Orphanet 444490, MedGen C0023817, MONDO:0009387, OMIM 238600. Disease mechanism: loss of function.
Cardiovascular phenotype. Identifiers: MedGen CN230736.

Allele frequency attached by ClinVar (database versions not stated): 1000 Genomes Project 30x 0.03826; 1000 Genomes Project 0.03874; gnomAD exomes 0.04987 and 0.06635; ExAC 0.05131; TOPMed 0.05389; gnomAD 0.05712 and 0.05843; ESP Exome Variant Server 0.06543.
gnomAD v4.1: 105,004 of 1,607,244 alleles (6.5%); highest among the groups gnomAD compares: Non-Finnish European, 7.5%; 3,772 homozygotes.

Submissions (10):

Labcorp Genetics (formerly Invitae), Labcorp
Classification: Benign. Last evaluated: 2026-02-04. Review status: criteria provided, single submitter. Criteria: Invitae Variant Classification Sherloc (09022015). Collection method: clinical testing. Allele origin: germline.

Molecular Diagnostic Laboratory for Inherited Cardiovascular Disease, Montreal Heart Institute
Classification: Benign. Last evaluated: 2025-04-09. Review status: criteria provided, single submitter. Criteria: ACMG Guidelines, 2015. Collection method: clinical testing. Allele origin: germline. Affected: no.

Blueprint Genetics
Classification: Likely benign. Last evaluated: 2024-11-27. Review status: criteria provided, single submitter. Criteria: ACMG Guidelines, 2015. Collection method: clinical testing. Allele origin: germline.

Mayo Clinic Laboratories, Mayo Clinic
Classification: Benign. Last evaluated: 2024-03-21. Review status: criteria provided, single submitter. Criteria: ACMG Guidelines, 2015. Collection method: clinical testing. Allele origin: germline. Observed: 86 variant alleles.
Comment: BA1, BP4, BP7

Ambry Genetics
Classification: Benign for Cardiovascular phenotype. Last evaluated: 2018-12-11. Review status: criteria provided, single submitter. Criteria: Ambry Variant Classification Scheme 2023. Collection method: clinical testing. Allele origin: germline.

GeneDx
Classification: Benign. Last evaluated: 2018-10-26. Review status: criteria provided, single submitter. Criteria: GeneDx Variant Classification Process June 2021. Collection method: clinical testing. Allele origin: germline. Affected: yes.

Illumina Laboratory Services, Illumina
Classification: Benign for Hyperlipoproteinemia, type I. Last evaluated: 2018-01-13. Review status: criteria provided, single submitter. Criteria: ICSL Variant Classification Criteria 13 December 2019. Collection method: clinical testing. Allele origin: germline.
Comment: This variant was observed in the ICSL laboratory as part of a predisposition screen in an ostensibly healthy population. It had not been previously curated by ICSL or reported in the Human Gene Mutation Database (HGMD: prior to June 1st, 2018), and was therefore a candidate for classification through an automated scoring system. Utilizing variant allele frequency, disease prevalence and penetrance estimates, and inheritance mode, an automated score was calculated to assess if this variant is too frequent to cause the disease. Based on the score and internal cut-off values, a variant classified as benign is not then subjected to further curation. The score for this variant resulted in a classification of benign for this disease.

Women's Health and Genetics/Laboratory Corporation of America, LabCorp
Classification: Benign. Last evaluated: 2017-06-07. Review status: criteria provided, single submitter. Criteria: LabCorp Variant Classification Summary - May 2015. Collection method: clinical testing. Allele origin: germline.
Comment: Variant summary: The LPL c.435G>A (p.Glu145Glu) variant involves the alteration of a non-conserved nucleotide, resulting in a synonymous change. Mutation taster predicts it as a polymorphism. 5/5 splice prediction tools predict no significant impact on normal splicing. In addition, ESE finder predicts that this variant may not affect binding of ESE sites. This variant was found in 6226/121336 control chromosomes (201 homozygotes) at a frequency of 0.0513121, which is approximately 15 times the estimated maximal expected allele frequency of a pathogenic LPL variant (0.0033541), thus this variant is likely a benign polymorphism. This variant was found at an allele frequency higher in controls than in patients with Familial Combined Hyperlipidemia in one study (Gagne_1994) and in one hypertriglyceridemia patient who carried biallelic mutations in GPIHBP1 gene (Buonuomo_2015), both evidences supporting for benign outcome. One clinical diagnostic laboratory (via ClinVar) has classified this variant as likely benign. Taken together, this variant is classified as benign.

Breakthrough Genomics
Classification: Benign. Review status: criteria provided, single submitter. Criteria: ACMG Guidelines, 2015. Collection method: not provided. Allele origin: germline. Inheritance: Autosomal recessive inheritance. Affected: yes.

Natera, Inc.
Classification: Benign for Lipoprotein lipase deficiency. Last evaluated: 2020-09-16. Review status: no assertion criteria provided. Collection method: clinical testing. Allele origin: germline. Not counted in ClinVar's aggregate classification.

Literature cited by the submitters: PubMed 36325899 (cited by Mayo Clinic Laboratories, Mayo Clinic).

NM_000237.3(LPL):c.435G>A (p.Glu145=)

Gene: LPL (lipoprotein lipase; plus strand). Cytogenetic location: 8p21.3.
Variant type: single nucleotide variant.
Coding change: c.435G>A on transcript NM_000237.3 (MANE Select); coding-DNA position 435, G replaced by A.
Protein change: p.Glu145=; no amino-acid change (glutamic acid 145 retained).
Molecular consequence: synonymous variant.
Genome position (GRCh38, 1-based): chr8:19,953,315, G>A. VCF-style: chr8-19953315-G-A. GRCh37 (hg19) VCF-style: chr8-19810826-G-A.
Other names: p.Glu145=.
Identifiers: ClinVar variation 362409 (VCV000362409.20), dbSNP rs248, ClinGen allele CA4655424.